The following is an entry in ClinVar:

NM_001852.4(COL9A2):c.22C>G (p.Pro8Ala)

Gene: COL9A2 (collagen type IX alpha 2 chain; minus strand). Cytogenetic location: 1p34.2.
Variant type: single nucleotide variant.
Coding change: c.22C>G on transcript NM_001852.4 (MANE Select); coding-DNA position 22, C replaced by G.
Protein change: p.Pro8Ala; replaces proline 8 with alanine.
Molecular consequence: missense variant.
Genome position (GRCh38, 1-based): chr1:40,317,176, G>C on the plus strand (C>G on the coding strand, the complement: COL9A2 is on the minus strand). VCF-style: chr1-40317176-G-C. GRCh37 (hg19) VCF-style: chr1-40782848-G-C.
Other names: c.22C>G (NM_001852.3); short protein forms P8A.
Identifiers: ClinVar variation 2789969 (VCV002789969.5), dbSNP rs140795858, ClinGen allele CA21042618.

ClinVar aggregate classification (germline): Uncertain significance. Review status: criteria provided, single submitter (1 of 4 stars). 2 submissions from 2 submitters: Uncertain significance (1). 1 of the submissions does not count toward it. Last evaluated 2025-12-15.

Conditions:
COL9A2-related disorder. Also called: COL9A2-related condition.

Allele frequency attached by ClinVar (database versions not stated): gnomAD exomes below 0.00001; gnomAD 0.00001; ESP Exome Variant Server 0.00008.
gnomAD v4.1: 6 of 1,588,890 alleles (0.00038%); highest among the groups gnomAD compares: Non-Finnish European, 0.00043%; no homozygotes.

Submissions (2):

Labcorp Genetics (formerly Invitae), Labcorp
Classification: Uncertain significance. Last evaluated: 2025-12-15. Review status: criteria provided, single submitter. Criteria: Invitae Variant Classification Sherloc (09022015). Collection method: clinical testing. Allele origin: germline.
Comment: This sequence change replaces proline, which is neutral and non-polar, with alanine, which is neutral and non-polar, at codon 8 of the COL9A2 protein (p.Pro8Ala). This variant is present in population databases (rs140795858, gnomAD 0.005%). This variant has not been reported in the literature in individuals affected with COL9A2-related conditions. ClinVar contains an entry for this variant (Variation ID: 2789969). Invitae Evidence Modeling of protein sequence and biophysical properties (such as structural, functional, and spatial information, amino acid conservation, physicochemical variation, residue mobility, and thermodynamic stability) indicates that this missense variant is not expected to disrupt COL9A2 protein function with a negative predictive value of 95%. In summary, the available evidence is currently insufficient to determine the role of this variant in disease. Therefore, it has been classified as a Variant of Uncertain Significance.

PreventionGenetics, part of Exact Sciences
Classification: Uncertain significance for COL9A2-related condition. Last evaluated: 2024-01-17. Review status: no assertion criteria provided. Collection method: clinical testing. Allele origin: germline. Not counted in ClinVar's aggregate classification.
Comment: The COL9A2 c.22C>G variant is predicted to result in the amino acid substitution p.Pro8Ala. To our knowledge, this variant has not been reported in the literature. This variant is reported in 0.0048% of alleles in individuals of European (Finnish) descent in gnomAD. At this time, the clinical significance of this variant is uncertain due to the absence of conclusive functional and genetic evidence.